The following is an entry in ClinVar:

NM_033637.4(BTRC):c.1775C>G (p.Pro592Arg)

Gene: BTRC (beta-transducin repeat containing E3 ubiquitin protein ligase; plus strand). Cytogenetic location: 10q24.32.
Variant type: single nucleotide variant.
Coding change: c.1775C>G on transcript NM_033637.4 (MANE Select); coding-DNA position 1775, C replaced by G.
Protein change: p.Pro592Arg; replaces proline 592 with arginine.
Molecular consequence: missense variant.
Genome position (GRCh38, 1-based): chr10:101,550,817, C>G. VCF-style: chr10-101550817-C-G. GRCh37 (hg19) VCF-style: chr10-103310574-C-G.
Other names: c.1775C>G (NM_033637.3); c.1697C>G, p.Pro566Arg (NM_001256856.2); c.1667C>G, p.Pro556Arg (NM_003939.5); short protein forms P592R, P556R, P566R.
Identifiers: ClinVar variation 2058354 (VCV002058354.7), dbSNP rs2270439, ClinGen allele CA5656292.

ClinVar aggregate classification (germline): Likely benign. Review status: criteria provided, multiple submitters, no conflicts (2 of 4 stars). 3 submissions from 3 submitters: Likely benign (2). 1 of the submissions does not count toward it. Last evaluated 2024-11-05.

Conditions:
BTRC-related disorder. Also called: BTRC-related condition.

Allele frequency attached by ClinVar (database versions not stated): 1000 Genomes Project 30x 0.00031.

Submissions (3):

Labcorp Genetics (formerly Invitae), Labcorp
Classification: Likely benign. Last evaluated: 2024-11-05. Review status: criteria provided, single submitter. Criteria: Invitae Variant Classification Sherloc (09022015). Collection method: clinical testing. Allele origin: germline.

Breakthrough Genomics
Classification: Likely benign. Review status: criteria provided, single submitter. Criteria: ACMG Guidelines, 2015. Collection method: not provided. Allele origin: germline. Inheritance: Unknown mechanism. Affected: yes.

PreventionGenetics, part of Exact Sciences
Classification: Likely benign for BTRC-related condition. Last evaluated: 2023-03-22. Review status: no assertion criteria provided. Collection method: clinical testing. Allele origin: germline. Not counted in ClinVar's aggregate classification.
Comment: This variant is classified as likely benign based on ACMG/AMP sequence variant interpretation guidelines (Richards et al. 2015 PMID: 25741868, with internal and published modifications).